The following is an entry in ClinVar:

NM_001367823.1(ARHGEF18):c.1707G>T (p.Gln569His)

Gene: ARHGEF18 (Rho/Rac guanine nucleotide exchange factor 18; plus strand). Cytogenetic location: 19p13.2.
Variant type: single nucleotide variant.
Coding change: c.1707G>T on transcript NM_001367823.1 (MANE Select); coding-DNA position 1707, G replaced by T.
Protein change: p.Gln569His; replaces glutamine 569 with histidine.
Molecular consequence: missense variant.
Genome position (GRCh38, 1-based): chr19:7,447,138, G>T. VCF-style: chr19-7447138-G-T. GRCh37 (hg19) VCF-style: chr19-7512024-G-T.
Other names: c.981G>T, p.Gln327His (NM_001130955.2); c.669G>T, p.Gln223His (NM_001367824.1, NM_015318.4); c.1143G>T (NM_001130955.1); short protein forms Q327H, Q569H, Q223H.
Identifiers: ClinVar variation 1360192 (VCV001360192.8), dbSNP rs369095725, ClinGen allele CA9136552.

ClinVar aggregate classification (germline): Uncertain significance. Review status: criteria provided, multiple submitters, no conflicts (2 of 4 stars). 3 submissions from 3 submitters: Uncertain significance (3). Last evaluated 2024-11-08.

Conditions:
Inborn genetic diseases. Identifiers: MedGen C0950123, MeSH D030342.

Allele frequency attached by ClinVar (database versions not stated): gnomAD exomes 0.00001 and 0.00004; gnomAD 0.00003 and 0.00004; ExAC 0.00004; TOPMed 0.00004.
gnomAD v4.1: 39 of 1,612,978 alleles (0.0024%); highest among the groups gnomAD compares: East Asian, 0.04%; no homozygotes.

Submissions (3):

Blueprint Genetics
Classification: Uncertain significance. Last evaluated: 2024-11-08. Review status: criteria provided, single submitter. Criteria: ACMG Guidelines, 2015. Collection method: clinical testing. Allele origin: germline.

Labcorp Genetics (formerly Invitae), Labcorp
Classification: Uncertain significance. Last evaluated: 2024-10-16. Review status: criteria provided, single submitter. Criteria: Invitae Variant Classification Sherloc (09022015). Collection method: clinical testing. Allele origin: germline.
Comment: This sequence change replaces glutamine, which is neutral and polar, with histidine, which is basic and polar, at codon 381 of the ARHGEF18 protein (p.Gln381His). This variant is present in population databases (rs369095725, gnomAD 0.06%). This variant has not been reported in the literature in individuals affected with ARHGEF18-related conditions. ClinVar contains an entry for this variant (Variation ID: 1360192). An algorithm developed to predict the effect of missense changes on protein structure and function (PolyPhen-2) suggests that this variant is likely to be disruptive. In summary, the available evidence is currently insufficient to determine the role of this variant in disease. Therefore, it has been classified as a Variant of Uncertain Significance.

Ambry Genetics
Classification: Uncertain significance for Inborn genetic diseases. Last evaluated: 2023-12-08. Review status: criteria provided, single submitter. Criteria: Ambry Variant Classification Scheme 2023. Collection method: clinical testing. Allele origin: germline.